The following is an entry in ClinVar:

NM_022119.4(PRSS22):c.806G>A (p.Arg269His)

Gene: PRSS22 (serine protease 22; minus strand). Cytogenetic location: 16p13.3.
Variant type: single nucleotide variant.
Coding change: c.806G>A on transcript NM_022119.4 (MANE Select); coding-DNA position 806, G replaced by A.
Protein change: p.Arg269His; replaces arginine 269 with histidine.
Molecular consequence: missense variant.
Genome position (GRCh38, 1-based): chr16:2,853,241, C>T on the plus strand (G>A on the coding strand, the complement: PRSS22 is on the minus strand). VCF-style: chr16-2853241-C-T. GRCh37 (hg19) VCF-style: chr16-2903242-C-T.
Other names: short protein forms R269H.
Identifiers: ClinVar variation 161756 (VCV000161756.2), dbSNP rs193920873, ClinGen allele CA023280.
Genomic context (GRCh38, chr16:2,853,241, plus strand): 5'-ACGATCTTCTCCACCCAGGAGCGGTGCGCAGAGAGGCTGATGTAGACCCCGGGCCTGTTG[C>T]GCTCGGCACAGCCCTCGCCCCAGCTGATGATGCCGGCCAGCAGCCAGGCGCCGTCCACCT-3'
Protein context (NP_071402.1, residues 259-279): IISWGEGCAE[Arg269His]NRPGVYISLS

ClinVar aggregate classification (germline): Uncertain significance (0 of 4 stars; one submission).

Conditions:
Prostate cancer. Also called: Malignant tumor of prostate. Identifiers: Orphanet 1331, MedGen C0376358, MONDO:0008315, HP:0012125.

Allele frequency attached by ClinVar (database versions not stated): TOPMed 0.00001.

Submission:

Science for Life laboratory,  Karolinska Institutet
Classification: Uncertain significance for Malignant tumor of prostate. Review status: no assertion criteria provided. Collection method: not provided. Allele origin: somatic.
Comment: TumorID:SWE-17
ClinVar note: Converted during submission from Unknown to Uncertain significance.